The following is an entry in ClinVar:

NM_000209.4(PDX1):c.779G>A (p.Arg260His)

Gene: PDX1 (pancreatic and duodenal homeobox 1; plus strand). Cytogenetic location: 13q12.2.
Variant type: single nucleotide variant.
Coding change: c.779G>A on transcript NM_000209.4 (MANE Select); coding-DNA position 779, G replaced by A.
Protein change: p.Arg260His; replaces arginine 260 with histidine.
Molecular consequence: missense variant.
Genome position (GRCh38, 1-based): chr13:27,924,628, G>A. VCF-style: chr13-27924628-G-A. GRCh37 (hg19) VCF-style: chr13-28498765-G-A.
Other names: short protein forms R260H.
Identifiers: ClinVar variation 1407081 (VCV001407081.6), dbSNP rs1164055763, ClinGen allele CA387646702.
Genomic context (GRCh38, chr13:27,924,628, plus strand): 5'-CGCCGCCGCCCCCCGGAGGTGCTGTGCCGCCCGCTGCCCCCGTTGCCGCCCGAGAGGGCC[G>A]CCTGCCGCCTGGCCTTAGCGCGTCGCCACAGCCCTCCAGCGTCGCGCCTCGGCGGCCGCA-3'
Protein context (NP_000200.1, residues 250-270): PAAPVAAREG[Arg260His]LPPGLSASPQ

ClinVar aggregate classification (germline): Uncertain significance (1 of 4 stars; one submission).

Allele frequency attached by ClinVar (database versions not stated): gnomAD 0.00002; TOPMed 0.00002.
gnomAD v4.1: 17 of 1,472,432 alleles (0.0012%); highest among the groups gnomAD compares: Non-Finnish European, 0.0014%; no homozygotes.

Submission:

Labcorp Genetics (formerly Invitae), Labcorp
Classification: Uncertain significance. Last evaluated: 2025-05-13. Review status: criteria provided, single submitter. Criteria: Invitae Variant Classification Sherloc (09022015). Collection method: clinical testing. Allele origin: germline.
Comment: This sequence change replaces arginine, which is basic and polar, with histidine, which is basic and polar, at codon 260 of the PDX1 protein (p.Arg260His). The frequency data for this variant in the population databases is considered unreliable, as metrics indicate poor data quality at this position in the gnomAD database. This variant has not been reported in the literature in individuals affected with PDX1-related conditions. ClinVar contains an entry for this variant (Variation ID: 1407081). Invitae Evidence Modeling of protein sequence and biophysical properties (such as structural, functional, and spatial information, amino acid conservation, physicochemical variation, residue mobility, and thermodynamic stability) indicates that this missense variant is not expected to disrupt PDX1 protein function with a negative predictive value of 95%. In summary, the available evidence is currently insufficient to determine the role of this variant in disease. Therefore, it has been classified as a Variant of Uncertain Significance.